The following is an entry in ClinVar:

ClinVar aggregate classification (germline): Likely benign (1 of 4 stars; one submission).

Allele frequency attached by ClinVar (database versions not stated): ExAC 0.00002; gnomAD 0.00002; TOPMed 0.00002; gnomAD exomes 0.00003; 1000 Genomes Project 30x 0.00016; 1000 Genomes Project 0.00020.
gnomAD v4.1: 57 of 1,612,508 alleles (0.0035%); highest among the groups gnomAD compares: African/African-American, 0.0093%; no homozygotes.

Submission:

CeGaT Center for Human Genetics Tuebingen
Classification: Likely benign. Last evaluated: 2022-07-01. Review status: criteria provided, single submitter. Criteria: CeGaT Center For Human Genetics Tuebingen Variant Classification Criteria Version 2. Collection method: clinical testing. Allele origin: germline. Affected: yes. Observed: 1 variant allele.
Comment: MCF2L: BP4, BP7

NM_001112732.3(MCF2L):c.2994C>T (p.Asp998=)

Gene: MCF2L (MCF.2 cell line derived transforming sequence like; plus strand). Cytogenetic location: 13q34.
Variant type: single nucleotide variant.
Coding change: c.2994C>T on transcript NM_001112732.3 (MANE Select); coding-DNA position 2994, C replaced by T.
Protein change: p.Asp998=; no amino-acid change (aspartic acid 998 retained).
Molecular consequence: synonymous variant.
Genome position (GRCh38, 1-based): chr13:113,094,554, C>T. VCF-style: chr13-113094554-C-T. GRCh37 (hg19) VCF-style: chr13-113748868-C-T.
Other names: c.3006C>T, p.Asp1002= (NM_001320816.2); c.2907C>T, p.Asp969= (NM_001366644.2); c.2955C>T, p.Asp985= (NM_001366645.2); c.2880C>T, p.Asp960= (NM_001366646.2); c.2988C>T, p.Asp996= (NM_024979.5); c.3063C>T, p.Asp1021= (NM_001320815.2).
Identifiers: ClinVar variation 2643979 (VCV002643979.24), dbSNP rs184014403, ClinGen allele CA7059576.
Genomic context (GRCh38, chr13:113,094,554, plus strand): 5'-CGGGTGTCTGTCTCTCTTAGGTTGGAGCAAAACGTCCCACTCACTGGAGGCACCTGAGGA[C>T]GACGGGGGCTGGTCAAGTGCAGAGGAGCAGATTAACTCGTCCGACGCAGAGGAGGACGGC-3'
Protein context (NP_001106203.2, residues 988-1008): KTSHSLEAPE[Asp998=]DGGWSSAEEQ